The following is an entry in ClinVar:

NM_152564.5(VPS13B):c.335del (p.Thr112fs)

Gene: VPS13B (vacuolar protein sorting 13 homolog B; plus strand). Cytogenetic location: 8q22.2.
Variant type: Deletion.
Coding change: c.335del on transcript NM_152564.5 (MANE Select); coding-DNA position 335, one base deleted (C; older notation c.335delC).
Protein change: p.Thr112fs; shifts the reading frame from threonine 112.
Molecular consequence: frameshift variant. On other transcripts: non-coding transcript variant (1).
Genome position (GRCh38, 1-based): chr8:99,096,355, C deleted. VCF-style (leftmost placement, unchanged base first): chr8-99096354-AC-A. GRCh37 (hg19) VCF-style: chr8-100108582-AC-A.
Other names: c.335del, p.Thr112fs (NM_015243.3, NM_017890.5, NM_181661.3); c.335delC, p.Thr112Metfs (NM_017890.4); short protein forms T112fs.
Identifiers: ClinVar variation 4815944 (VCV004815944.1).
Genomic context (GRCh38, chr8:99,096,354, plus strand): 5'-TCTTTAAAATAAAAATAGGATGACCATGAAAGCTGTGGTTCTAATTCTACCAACCGTAGT[AC>A]TGCTGAGAGCACAAAATCATCAATCAAACCGCGGAGAATGCAGCAGGCTGCTCCTACAGA-3'

ClinVar aggregate classification (germline): Likely pathogenic (1 of 4 stars; one submission).

Conditions:
Cohen syndrome (COH1). Also called: PEPPER SYNDROME; Cutis verticis gyrata, retinitis pigmentosa, and sensorineural deafness. Identifiers: Orphanet 193, MedGen C0265223, MONDO:0008999, OMIM 216550.

Submission:

Natera, Inc.
Classification: Likely pathogenic for Cohen syndrome. Last evaluated: 2024-06-06. Review status: criteria provided, single submitter. Criteria: Natera Variant Classification Schema (03/2026). Collection method: clinical testing. Allele origin: germline.
Comment: The c.335del variant in VPS13B is a frameshift variant predicted to shift the reading frame beginning at codon 112 and leads to a stop codon 32 codons downstream. This variant is expected to result in nonsense mediated decay, truncation, or a dysfunctional protein product. This variant is rare in the general population with a frequency below the threshold expected for the associated phenotype(s). Given the available evidence, this variant is classified as Likely Pathogenic.